The following is an entry in ClinVar:

ClinVar aggregate classification (germline): other (0 of 4 stars; one submission).

Conditions:
Familial colorectal cancer. Identifiers: MedGen CN280943, MONDO:0023113. Disease mechanism: loss of function.

Submission:

Systems Biology Platform Zhejiang California International NanoSystems Institute
Classification: other for Familial colorectal cancer. Review status: no assertion criteria provided. Collection method: not provided. Allele origin: unknown.
ClinVar note: Converted during submission from cancer to other.

NM_000038.6(APC):c.135+3578C>A

Gene: APC (APC regulator of WNT signaling pathway; plus strand). Cytogenetic location: 5q22.2.
Variant type: single nucleotide variant.
Coding change: c.135+3578C>A on transcript NM_000038.6 (MANE Select); 3578 bases into the intron after coding-DNA position 135, C replaced by A.
Molecular consequence: intron variant.
Genome position (GRCh38, 1-based): chr5:112,758,603, C>A. VCF-style: chr5-112758603-C-A. GRCh37 (hg19) VCF-style: chr5-112094300-C-A.
Other names: c.135+3578C>A (NM_001354895.2, NM_001127510.3, NM_001354896.2 and 2 more transcripts); c.166-7723C>A (NM_001354897.2, NM_001354902.2, NM_001127511.3); c.61-7723C>A (NM_001354898.2, NM_001354904.2); c.-901+3578C>A (NM_001354906.2); c.-42-7723C>A (NM_001354900.2, NM_001354901.2, NM_001354905.2).
Identifiers: ClinVar variation 82826 (VCV000082826.2), dbSNP rs76013957, ClinGen allele CA004297.